The following is an entry in ClinVar:

ClinVar aggregate classification (germline): Uncertain significance (1 of 4 stars; one submission).

Conditions:
Hereditary cancer-predisposing syndrome. Also called: Neoplastic Syndromes, Hereditary; Hereditary Cancer Syndrome; Hereditary neoplastic syndrome; Tumor predisposition. Identifiers: Orphanet 140162, MedGen C0027672, MeSH D009386, MONDO:0015356.

Submission:

Ambry Genetics
Classification: Uncertain significance for Hereditary cancer-predisposing syndrome. Last evaluated: 2026-06-06. Review status: criteria provided, single submitter. Criteria: Ambry Variant Classification Scheme 2023. Collection method: clinical testing. Allele origin: germline.
Comment: The p.H450Y variant (also known as c.1348C>T), located in coding exon 9 of the FLCN gene, results from a C to T substitution at nucleotide position 1348. The histidine at codon 450 is replaced by tyrosine, an amino acid with similar properties. This amino acid position is conserved. In addition, this alteration is predicted to be tolerated by in silico analysis. Based on the available evidence, the clinical significance of this variant remains unclear.

NM_144997.7(FLCN):c.1348C>T (p.His450Tyr)

Gene: FLCN (folliculin; minus strand). Cytogenetic location: 17p11.2.
Variant type: single nucleotide variant.
Coding change: c.1348C>T on transcript NM_144997.7 (MANE Select); coding-DNA position 1348, C replaced by T.
Protein change: p.His450Tyr; replaces histidine 450 with tyrosine.
Molecular consequence: missense variant.
Genome position (GRCh38, 1-based): chr17:17,215,269, G>A on the plus strand (C>T on the coding strand, the complement: FLCN is on the minus strand). VCF-style: chr17-17215269-G-A. GRCh37 (hg19) VCF-style: chr17-17118583-G-A.
Other names: c.1402C>T, p.His468Tyr (NM_001353229.2); c.1348C>T, p.His450Tyr (NM_001353230.2, NM_001353231.2); short protein forms H450Y, H468Y.
Identifiers: ClinVar variation 4871398 (VCV004871398.1).